The following is an entry in ClinVar:

NC_000001.10:g.(?_40558060)_(40561460_?)del

Gene: PPT1 (palmitoyl-protein thioesterase 1; minus strand). Cytogenetic location: 1p34.2.
Variant type: Deletion.
Identifiers: ClinVar variation 1454858 (VCV001454858.7).

ClinVar aggregate classification (germline): Pathogenic (1 of 4 stars; one submission).

Conditions:
Neuronal ceroid lipofuscinosis 1 (CLN1). Also called: CEROID LIPOFUSCINOSIS, NEURONAL, 1, VARIABLE AGE AT ONSET; PPT1-Related Neuronal Ceroid-Lipofuscinosis. Identifiers: Orphanet 228329, MedGen C1850451, MONDO:0009744, OMIM 256730.

Submission:

Labcorp Genetics (formerly Invitae), Labcorp
Classification: Pathogenic for Neuronal ceroid lipofuscinosis 1. Last evaluated: 2022-04-28. Review status: criteria provided, single submitter. Criteria: Invitae Variant Classification Sherloc (09022015). Collection method: clinical testing. Allele origin: germline.
Comment: This variant is a gross deletion of the genomic region encompassing exon(s) 2 of the PPT1 gene. This deletion is out-of-frame, and is expected to create a premature termination codon and result in an absent or disrupted protein product. Loss-of-function variants in PPT1 are known to be pathogenic (PMID: 10679943, 21990111). A similar copy number variant has been observed in individual(s) with clinical features of neuronal ceroid lipofuscinosis (PMID: 19302939). For these reasons, this variant has been classified as Pathogenic.

Literature cited by the submitters: PubMed 10679943; PubMed 21990111; PubMed 19302939.